The following is an entry in ClinVar:

ClinVar aggregate classification (germline): Uncertain significance (1 of 4 stars; one submission).

Submission:

GeneDx
Classification: Uncertain significance. Last evaluated: 2023-06-09. Review status: criteria provided, single submitter. Criteria: GeneDx Variant Classification Process June 2021. Collection method: clinical testing. Allele origin: germline. Affected: yes.
Comment: Not observed at significant frequency in large population cohorts (gnomAD); In silico analysis supports that this missense variant has a deleterious effect on protein structure/function; Has not been previously published as pathogenic or benign to our knowledge

NM_005676.5(RBM10):c.1970G>A (p.Arg657His)

Gene: RBM10 (RNA binding motif protein 10; plus strand). Cytogenetic location: Xp11.3.
Variant type: single nucleotide variant.
Coding change: c.1970G>A on transcript NM_005676.5 (MANE Select); coding-DNA position 1970, G replaced by A.
Protein change: p.Arg657His; replaces arginine 657 with histidine.
Molecular consequence: missense variant.
Genome position (GRCh38, 1-based): chrX:47,185,074, G>A. VCF-style: chrX-47185074-G-A. GRCh37 (hg19) VCF-style: chrX-47044473-G-A.
Other names: c.1739G>A, p.Arg580His (NM_001204466.2); c.1967G>A, p.Arg656His (NM_001204467.2); c.2165G>A, p.Arg722His (NM_001204468.2); c.1736G>A, p.Arg579His (NM_152856.3); short protein forms R579H, R580H, R656H, R657H, R722H.
Identifiers: ClinVar variation 3359552 (VCV003359552.1).